The following is an entry in ClinVar:

NM_024675.4(PALB2):c.330A>G (p.Gly110=)

Gene: PALB2 (partner and localizer of BRCA2; minus strand). Cytogenetic location: 16p12.2.
Variant type: single nucleotide variant.
Coding change: c.330A>G on transcript NM_024675.4 (MANE Select); coding-DNA position 330, A replaced by G.
Protein change: p.Gly110=; no amino-acid change (glycine 110 retained).
Molecular consequence: synonymous variant.
Genome position (GRCh38, 1-based): chr16:23,636,216, T>C on the plus strand (A>G on the coding strand, the complement: PALB2 is on the minus strand). VCF-style: chr16-23636216-T-C. GRCh37 (hg19) VCF-style: chr16-23647537-T-C.
Identifiers: ClinVar variation 233981 (VCV000233981.21), dbSNP rs876660773, ClinGen allele CA10580045.

ClinVar aggregate classification (germline): Benign/Likely benign. Review status: criteria provided, multiple submitters, no conflicts (2 of 4 stars). 5 submissions from 5 submitters: Benign (1); Likely benign (4). Last evaluated 2025-10-23.

Conditions:
Hereditary cancer-predisposing syndrome. Also called: Neoplastic Syndromes, Hereditary; Tumor predisposition; Hereditary Cancer Syndrome; Hereditary neoplastic syndrome. Identifiers: Orphanet 140162, MedGen C0027672, MeSH D009386, MONDO:0015356.
Familial cancer of breast. Also called: BREAST CANCER, FAMILIAL; hereditary breast carcinoma; Hereditary breast cancer. Identifiers: Orphanet 227535, MedGen C0346153, MONDO:0016419, OMIM 114480. Disease mechanism: loss of function.

Allele frequency attached by ClinVar (database versions not stated): gnomAD exomes below 0.00001; gnomAD 0.00001.
gnomAD v4.1: 7 of 1,613,114 alleles (0.00043%); highest among the groups gnomAD compares: Non-Finnish European, 0.00059%; no homozygotes.

Submissions (5):

Labcorp Genetics (formerly Invitae), Labcorp
Classification: Likely benign for Familial cancer of breast. Last evaluated: 2025-10-23. Review status: criteria provided, single submitter. Criteria: Invitae Variant Classification Sherloc (09022015). Collection method: clinical testing. Allele origin: germline.

Center for Genomic Medicine, Rigshospitalet, Copenhagen University Hospital
Classification: Likely benign. Last evaluated: 2025-03-04. Review status: criteria provided, single submitter. Criteria: ACMG Guidelines, 2015. Collection method: clinical testing. Allele origin: germline.

Myriad Genetics, Inc.
Classification: Benign for Familial cancer of breast. Last evaluated: 2025-01-10. Review status: criteria provided, single submitter. Criteria: Myriad Autosomal Dominant, Autosomal Recessive and X-Linked Classification Criteria (2023). Collection method: clinical testing. Allele origin: unknown.
Comment: This variant is considered benign. This variant is a silent/synonymous amino acid change and it is not expected to impact splicing.

Color Diagnostics, LLC DBA Color Health
Classification: Likely benign for Hereditary cancer-predisposing syndrome. Last evaluated: 2018-08-28. Review status: criteria provided, single submitter. Criteria: ACMG Guidelines, 2015. Collection method: clinical testing. Allele origin: germline.

Ambry Genetics
Classification: Likely benign for Hereditary cancer-predisposing syndrome. Last evaluated: 2015-09-13. Review status: criteria provided, single submitter. Criteria: Ambry Variant Classification Scheme 2023. Collection method: clinical testing. Allele origin: germline.